The following is an entry in ClinVar:

ClinVar aggregate classification (germline): Likely benign (1 of 4 stars; one submission).

Allele frequency attached by ClinVar (database versions not stated): 1000 Genomes Project 0.00040; 1000 Genomes Project 30x 0.00047; TOPMed 0.00055; gnomAD 0.00076; ESP Exome Variant Server 0.00077; ExAC 0.00080; gnomAD exomes 0.00091.
gnomAD v4.1: 1,412 of 1,614,056 alleles (0.087%); highest among the groups gnomAD compares: Non-Finnish European, 0.11%; 2 homozygotes.

Submissions (5):

CeGaT Center for Human Genetics Tuebingen
Classification: Likely benign. Last evaluated: 2023-01-01. Review status: criteria provided, single submitter. Criteria: CeGaT Center For Human Genetics Tuebingen Variant Classification Criteria Version 2. Collection method: clinical testing. Allele origin: germline. Affected: yes. Observed: 1 variant allele.
Comment: NUBP1: BP4, BP7

Dr. Peter K. Rogan Lab, Western University
No classification provided (evidence only). Condition: Melanoma. Review status: no classification provided. Collection method: in vitro. Allele origin: not applicable. Functional consequence: retained intron. Not counted in ClinVar's aggregate classification.

Dr. Peter K. Rogan Lab, Western University
No classification provided (evidence only). Condition: Gastric cancer. Review status: no classification provided. Collection method: in vitro. Allele origin: not applicable. Functional consequence: retained intron. Not counted in ClinVar's aggregate classification.

Dr. Peter K. Rogan Lab, Western University
No classification provided (evidence only). Condition: Gastric cancer. Review status: no classification provided. Collection method: in vitro. Allele origin: not applicable. Functional consequence: retained intron. Not counted in ClinVar's aggregate classification.

Dr. Peter K. Rogan Lab, Western University
No classification provided (evidence only). Condition: Gastric cancer. Review status: no classification provided. Collection method: in vitro. Allele origin: not applicable. Functional consequence: retained intron. Not counted in ClinVar's aggregate classification.

NM_002484.4(NUBP1):c.753C>T (p.Gly251=)

Genes: NUBP1 (NUBP iron-sulfur cluster assembly factor 1, cytosolic; plus strand), TVP23A (trans-golgi network vesicle protein 23 homolog A; minus strand). Cytogenetic location: 16p13.13.
Variant type: single nucleotide variant.
Coding change: c.753C>T on transcript NM_002484.4 (MANE Select); coding-DNA position 753, C replaced by T.
Protein change: p.Gly251=; no amino-acid change (glycine 251 retained).
Molecular consequence: synonymous variant. On other transcripts: intron variant (1).
Genome position (GRCh38, 1-based): chr16:10,761,792, C>T. VCF-style: chr16-10761792-C-T. GRCh37 (hg19) VCF-style: chr16-10855649-C-T.
Other names: NC_000016.9:g.10855649C>T; c.720C>T, p.Gly240= (NM_001278506.2); c.684C>T, p.Gly228= (NM_001323594.2); c.753C>T, p.Gly251= (NM_001323595.2); c.606C>T, p.Gly202= (NM_001323597.1); c.717+318C>T (NM_001323596.2).
Identifiers: ClinVar variation 2646204 (VCV002646204.25), dbSNP rs141467197, ClinGen allele CA7899050.
Genomic context (GRCh38, chr16:10,761,792, plus strand): 5'-CCTCCCCTTTGAATTTGCCTTGCAGAAAGAATCTCAGATATTCCCTCCCACAACCGGGGG[C>T]GCGGAGCTCATGTGCCAGGACTTGGAGGTCCCTCTCCTCGGCAGAGTGCCCCTGGATCCG-3'
Protein context (NP_002475.2, residues 241-261): ESQIFPPTTG[Gly251=]AELMCQDLEV